The following is an entry in ClinVar:

ClinVar aggregate classification (germline): Uncertain significance. Review status: criteria provided, multiple submitters, no conflicts (2 of 4 stars). 2 submissions from 2 submitters: Uncertain significance (2). Last evaluated 2024-02-17.

Allele frequency attached by ClinVar (database versions not stated): gnomAD exomes 0.00001.
gnomAD v4.1: 10 of 1,614,060 alleles (0.00062%); highest among the groups gnomAD compares: Non-Finnish European, 0.00076%; no homozygotes.

Submissions (2):

Labcorp Genetics (formerly Invitae), Labcorp
Classification: Uncertain significance. Last evaluated: 2024-02-17. Review status: criteria provided, single submitter. Criteria: Invitae Variant Classification Sherloc (09022015). Collection method: clinical testing. Allele origin: germline.
Comment: This sequence change replaces arginine, which is basic and polar, with glutamine, which is neutral and polar, at codon 645 of the RNF216 protein (p.Arg645Gln). This variant is not present in population databases (gnomAD no frequency). This missense change has been observed in individual(s) with cerebellar ataxia and hypogonadotropic hypogonadism (Invitae). In at least one individual the data is consistent with being in trans (on the opposite chromosome) from a pathogenic variant. ClinVar contains an entry for this variant (Variation ID: 1929393). An algorithm developed to predict the effect of missense changes on protein structure and function (PolyPhen-2) suggests that this variant is likely to be disruptive. In summary, the available evidence is currently insufficient to determine the role of this variant in disease. Therefore, it has been classified as a Variant of Uncertain Significance.

Blueprint Genetics
Classification: Uncertain significance. Last evaluated: 2019-12-31. Review status: criteria provided, single submitter. Criteria: ACMG Guidelines, 2015. Collection method: clinical testing. Allele origin: germline.

NM_207111.4(RNF216):c.1934G>A (p.Arg645Gln)

Gene: RNF216 (ring finger protein 216; minus strand). Cytogenetic location: 7p22.1.
Variant type: single nucleotide variant.
Coding change: c.1934G>A on transcript NM_207111.4 (MANE Select); coding-DNA position 1934, G replaced by A.
Protein change: p.Arg645Gln; replaces arginine 645 with glutamine.
Molecular consequence: missense variant.
Genome position (GRCh38, 1-based): chr7:5,712,763, C>T on the plus strand (G>A on the coding strand, the complement: RNF216 is on the minus strand). VCF-style: chr7-5712763-C-T. GRCh37 (hg19) VCF-style: chr7-5752394-C-T.
Other names: c.1763G>A, p.Arg588Gln (NM_001377156.1, NM_207116.3); short protein forms R588Q, R645Q.
Identifiers: ClinVar variation 1929393 (VCV001929393.6), dbSNP rs2534069339, ClinGen allele CA366721174.